The following is an entry in ClinVar:

ClinVar aggregate classification (germline): Pathogenic/Likely pathogenic. Review status: criteria provided, multiple submitters, no conflicts (2 of 4 stars). 5 submissions from 5 submitters: Pathogenic (2); Likely pathogenic (3). Last evaluated 2025-10-28.

Conditions:
DDX41-related disorders.
DDX41-related hematologic malignancy predisposition syndrome. Also called: Myeloproliferative/lymphoproliferative neoplasms, familial (multiple types), susceptibility to; DDX41-Associated Familial Myelodysplastic Syndrome and Acute Myeloid Leukemia. Identifiers: Orphanet 488647, MedGen C4225174, MONDO:0014809, OMIM 616871.
Inborn genetic diseases. Identifiers: MedGen C0950123, MeSH D030342.

gnomAD v4.1: 16 of 1,614,160 alleles (0.00099%); highest among the groups gnomAD compares: Non-Finnish European, 0.0014%; no homozygotes.

Submissions (5):

Ambry Genetics
Classification: Likely pathogenic for Inborn genetic diseases. Last evaluated: 2025-10-28. Review status: criteria provided, single submitter. Criteria: Ambry Variant Classification Scheme 2023. Collection method: clinical testing. Allele origin: germline.
Comment: The c.434+1G>A intronic variant results from a G to A substitution one nucleotide after coding exon 5 of the DDX41 gene. This variant has been detected in individuals diagnosed with myelodysplastic syndromes (Bannon SA et al. Front Oncol, 2020 Jan;10:582213; Alkhateeb HB et al. Blood Adv, 2022 Jan;6:528-532). This variant is considered to be rare based on population cohorts in the Genome Aggregation Database (gnomAD). This nucleotide position is highly conserved in available vertebrate species. In silico splice site analysis predicts that this alteration will weaken the native splice donor site; however, direct evidence is insufficient at this time (Ambry internal data). Alterations that disrupt the canonical splice site are expected to cause aberrant splicing, resulting in an abnormal protein or a transcript that is subject to nonsense-mediated mRNA decay. As such, this alteration is classified as likely pathogenic.

Labcorp Genetics (formerly Invitae), Labcorp
Classification: Likely pathogenic. Last evaluated: 2025-10-09. Review status: criteria provided, single submitter. Criteria: Invitae Variant Classification Sherloc (09022015). Collection method: clinical testing. Allele origin: germline.
Comment: This sequence change affects a donor splice site in intron 5 of the DDX41 gene. It is expected to disrupt RNA splicing. Variants that disrupt the donor or acceptor splice site typically lead to a loss of protein function (PMID: 16199547), and loss-of-function variants in DDX41 are known to be pathogenic (PMID: 26712909, 27133828). This variant is not present in population databases (gnomAD no frequency). Disruption of this splice site has been observed in individual(s) with acute myeloid leukemia and/or myelodysplastic syndrome (PMID: 33585199, 34644397, 35443031, 36322930, 37199125, 37506341, 37665752). ClinVar contains an entry for this variant (Variation ID: 1926322). Algorithms developed to predict the effect of sequence changes on RNA splicing suggest that this variant may disrupt the consensus splice site. In summary, the currently available evidence indicates that the variant is pathogenic, but additional data are needed to prove that conclusively. Therefore, this variant has been classified as Likely Pathogenic.

Molecular Pathology, Peter Maccallum Cancer Centre
Classification: Pathogenic for DDX41-related hematologic malignancy predisposition syndrome. Last evaluated: 2025-02-25. Review status: criteria provided, single submitter. Criteria: ACMG Guidelines, 2015. Collection method: clinical testing. Allele origin: germline.

GeneDx
Classification: Pathogenic. Last evaluated: 2023-09-08. Review status: criteria provided, single submitter. Criteria: GeneDx Variant Classification Process June 2021. Collection method: clinical testing. Allele origin: germline. Affected: yes.
Comment: Canonical splice site variant predicted to result in a null allele in a gene for which loss of function is a known mechanism of disease; Not observed at significant frequency in large population cohorts (gnomAD); This variant is associated with the following publications: (PMID: 36672294, 37199125, 33585199, 34644397)

Blueprint Genetics
Classification: Likely pathogenic for DDX41-related disorders. Last evaluated: 2023-05-08. Review status: criteria provided, single submitter. Criteria: ACMG Guidelines, 2015. Collection method: clinical testing. Allele origin: germline. Affected: yes. Observed: 2 variant alleles.

Literature cited by the submitters: PubMed 33585199 (cited by Ambry Genetics and Labcorp Genetics (formerly Invitae), Labcorp); PubMed 34644397 (cited by Ambry Genetics and Labcorp Genetics (formerly Invitae), Labcorp); PubMed 16199547 (cited by Labcorp Genetics (formerly Invitae), Labcorp); PubMed 26712909 (cited by Labcorp Genetics (formerly Invitae), Labcorp); PubMed 27133828 (cited by Labcorp Genetics (formerly Invitae), Labcorp); PubMed 35443031 (cited by Labcorp Genetics (formerly Invitae), Labcorp); PubMed 36322930 (cited by Labcorp Genetics (formerly Invitae), Labcorp); PubMed 37199125 (cited by Labcorp Genetics (formerly Invitae), Labcorp); PubMed 37506341 (cited by Labcorp Genetics (formerly Invitae), Labcorp); PubMed 37665752 (cited by Labcorp Genetics (formerly Invitae), Labcorp).

NM_016222.4(DDX41):c.434+1G>A

Gene: DDX41 (DEAD-box helicase 41; minus strand). Cytogenetic location: 5q35.3.
Variant type: single nucleotide variant.
Coding change: c.434+1G>A on transcript NM_016222.4 (MANE Select); the canonical splice donor site of the intron after coding-DNA position 434, G replaced by A.
Molecular consequence: splice donor variant.
Genome position (GRCh38, 1-based): chr5:177,515,928, C>T on the plus strand (G>A on the coding strand, the complement: DDX41 is on the minus strand). VCF-style: chr5-177515928-C-T. GRCh37 (hg19) VCF-style: chr5-176942929-C-T.
Other names: c.56+1G>A (NM_001321830.2, NM_001321732.2); c.434+1G>A (NM_016222.2).
Identifiers: ClinVar variation 1926322 (VCV001926322.10), dbSNP rs1170971274, ClinGen allele CA362376280.